The following is an entry in ClinVar:

ClinVar aggregate classification (germline): Uncertain significance (1 of 4 stars; one submission).

Conditions:
Ataxia-telangiectasia syndrome (AT). Also called: Ataxia telangiectasia (A-T); LOUIS-BAR SYNDROME; Cerebello-oculocutaneous telangiectasia; Immunodeficiency with ataxia telangiectasia; ATAXIA-TELANGIECTASIA, COMPLEMENTATION GROUP A; ATAXIA-TELANGIECTASIA, FRESNO VARIANT. Identifiers: Orphanet 100, MedGen C0004135, MONDO:0008840, OMIM 208900.

Submission:

Labcorp Genetics (formerly Invitae), Labcorp
Classification: Uncertain significance for Ataxia-telangiectasia syndrome. Last evaluated: 2025-07-31. Review status: criteria provided, single submitter. Criteria: Invitae Variant Classification Sherloc (09022015). Collection method: clinical testing. Allele origin: germline.
Comment: This sequence change replaces arginine, which is basic and polar, with lysine, which is basic and polar, at codon 386 of the ATM protein (p.Arg386Lys). This variant is not present in population databases (gnomAD no frequency). This missense change has been observed in individual(s) with breast cancer (PMID: 30093976). ClinVar contains an entry for this variant (Variation ID: 236669). Invitae Evidence Modeling of protein sequence and biophysical properties (such as structural, functional, and spatial information, amino acid conservation, physicochemical variation, residue mobility, and thermodynamic stability) indicates that this missense variant is not expected to disrupt ATM protein function with a negative predictive value of 95%. In summary, the available evidence is currently insufficient to determine the role of this variant in disease. Therefore, it has been classified as a Variant of Uncertain Significance.

Literature cited by the submitters: PubMed 30093976.

NM_000051.4(ATM):c.1157G>A (p.Arg386Lys)

Gene: ATM (ATM serine/threonine kinase; plus strand). Cytogenetic location: 11q22.3.
Variant type: single nucleotide variant.
Coding change: c.1157G>A on transcript NM_000051.4 (MANE Select); coding-DNA position 1157, G replaced by A.
Protein change: p.Arg386Lys; replaces arginine 386 with lysine.
Molecular consequence: missense variant.
Genome position (GRCh38, 1-based): chr11:108,249,024, G>A. VCF-style: chr11-108249024-G-A. GRCh37 (hg19) VCF-style: chr11-108119751-G-A.
Other names: c.1157G>A, p.Arg386Lys (NM_001351834.2); short protein forms R386K.
Identifiers: ClinVar variation 236669 (VCV000236669.6), dbSNP rs878853484, ClinGen allele CA10582791.
Genomic context (GRCh38, chr11:108,249,024, plus strand): 5'-TTTCTCAATCTTACACTACTACACAAAGAGAATCTAGTGATTACAGTGTCCCTTGCAAAA[G>A]GAAGAAAATAGAACTAGGCTGGGAAGTAATAAAAGATCACCTTCAGAAGTCACAGAATGA-3'
Protein context (NP_000042.3, residues 376-396): ESSDYSVPCK[Arg386Lys]KKIELGWEVI